The following is an entry in ClinVar:

NM_005228.5(EGFR):c.2948G>A (p.Gly983Glu)

Gene: EGFR (epidermal growth factor receptor; plus strand). Cytogenetic location: 7p11.2.
Variant type: single nucleotide variant.
Coding change: c.2948G>A on transcript NM_005228.5 (MANE Select); coding-DNA position 2948, G replaced by A.
Protein change: p.Gly983Glu; replaces glycine 983 with glutamic acid.
Molecular consequence: missense variant.
Genome position (GRCh38, 1-based): chr7:55,201,189, G>A. VCF-style: chr7-55201189-G-A. GRCh37 (hg19) VCF-style: chr7-55268882-G-A.
Other names: c.2813G>A, p.Gly938Glu (NM_001346897.2, NM_001346899.2); c.2948G>A, p.Gly983Glu (NM_001346898.2); c.2789G>A, p.Gly930Glu (NM_001346900.2); c.2147G>A, p.Gly716Glu (NM_001346941.2); short protein forms G983E, G716E, G930E, G938E.
Identifiers: ClinVar variation 4711642 (VCV004711642.1).

ClinVar aggregate classification (germline): Uncertain significance (1 of 4 stars; one submission).

Conditions:
EGFR-related lung cancer (EGFR). Identifiers: MedGen CN130014.

gnomAD v4.1: 1 of 1,614,186 alleles (0.000062%); no homozygotes.

Submission:

Labcorp Genetics (formerly Invitae), Labcorp
Classification: Uncertain significance for EGFR-related lung cancer. Last evaluated: 2025-10-18. Review status: criteria provided, single submitter. Criteria: Invitae Variant Classification Sherloc (09022015). Collection method: clinical testing. Allele origin: germline.
Comment: This sequence change replaces glycine, which is neutral and non-polar, with glutamic acid, which is acidic and polar, at codon 983 of the EGFR protein (p.Gly983Glu). This variant is not present in population databases (gnomAD no frequency). This variant has not been reported in the literature in individuals affected with EGFR-related conditions. An algorithm developed to predict the effect of missense changes on protein structure and function (PolyPhen-2) suggests that this variant is likely to be disruptive. In summary, the available evidence is currently insufficient to determine the role of this variant in disease. Therefore, it has been classified as a Variant of Uncertain Significance.